The following is an entry in ClinVar:

NM_001365999.1(SZT2):c.119A>G (p.His40Arg)

Gene: SZT2 (SZT2 subunit of KICSTOR complex; plus strand). Cytogenetic location: 1p34.2.
Variant type: single nucleotide variant.
Coding change: c.119A>G on transcript NM_001365999.1 (MANE Select); coding-DNA position 119, A replaced by G.
Protein change: p.His40Arg; replaces histidine 40 with arginine.
Molecular consequence: missense variant.
Genome position (GRCh38, 1-based): chr1:43,403,268, A>G. VCF-style: chr1-43403268-A-G. GRCh37 (hg19) VCF-style: chr1-43868939-A-G.
Other names: c.119A>G, p.His40Arg (NM_015284.4); short protein forms H40R.
Identifiers: ClinVar variation 961327 (VCV000961327.9), dbSNP rs756496277, ClinGen allele CA808077.

ClinVar aggregate classification (germline): Uncertain significance (1 of 4 stars; one submission).

Allele frequency attached by ClinVar (database versions not stated): ExAC 0.00001.
gnomAD v4.1: 3 of 1,613,962 alleles (0.00019%); highest among the groups gnomAD compares: South Asian, 0.0022%; no homozygotes.

Submission:

Labcorp Genetics (formerly Invitae), Labcorp
Classification: Uncertain significance. Last evaluated: 2019-11-06. Review status: criteria provided, single submitter. Criteria: Invitae Variant Classification Sherloc (09022015). Collection method: clinical testing. Allele origin: germline.
Comment: This sequence change replaces histidine with arginine at codon 40 of the SZT2 protein (p.His40Arg). The histidine residue is weakly conserved and there is a small physicochemical difference between histidine and arginine. This variant is present in population databases (rs756496277, ExAC 0.006%). This variant has not been reported in the literature in individuals with SZT2-related conditions. Algorithms developed to predict the effect of missense changes on protein structure and function output the following: SIFT: "Tolerated"; PolyPhen-2: "Possibly Damaging"; Align-GVGD: "Class C0". The arginine amino acid residue is found in multiple mammalian species, suggesting that this missense change does not adversely affect protein function. These predictions have not been confirmed by published functional studies and their clinical significance is uncertain. In summary, the available evidence is currently insufficient to determine the role of this variant in disease. Therefore, it has been classified as a Variant of Uncertain Significance.